The following is an entry in ClinVar:

ClinVar aggregate classification (germline): Likely benign (1 of 4 stars; one submission).

Submission:

CeGaT Center for Human Genetics Tuebingen
Classification: Likely benign. Last evaluated: 2025-10-01. Review status: criteria provided, single submitter. Criteria: CeGaT Center For Human Genetics Tuebingen Variant Classification Criteria Version 2. Collection method: clinical testing. Allele origin: germline. Affected: yes. Observed: 1 variant allele.
Comment: TOGARAM1: PM2:Supporting, BP4, BP7

NM_001308120.2(TOGARAM1):c.2991T>C (p.Pro997=)

Gene: TOGARAM1 (TOG array regulator of axonemal microtubules 1; plus strand). Cytogenetic location: 14q21.2.
Variant type: single nucleotide variant.
Coding change: c.2991T>C on transcript NM_001308120.2 (MANE Select); coding-DNA position 2991, T replaced by C.
Protein change: p.Pro997=; no amino-acid change (proline 997 retained).
Molecular consequence: synonymous variant.
Genome position (GRCh38, 1-based): chr14:45,008,999, T>C. VCF-style: chr14-45008999-T-C. GRCh37 (hg19) VCF-style: chr14-45478202-T-C.
Other names: c.2991T>C, p.Pro997= (NM_015091.4).
Identifiers: ClinVar variation 4534944 (VCV004534944.6).